The following is an entry in ClinVar:

NM_001127511.3(APC):c.165+24001T>C

Gene: APC (APC regulator of Wnt signaling pathway; plus strand). Cytogenetic location: 5q22.2.
Variant type: single nucleotide variant.
Coding change: c.165+24001T>C on transcript NM_001127511.3; 24001 bases into the intron after coding-DNA position 165, T replaced by C.
Molecular consequence: intron variant.
Genome position (GRCh38, 1-based): chr5:112,731,883, T>C. VCF-style: chr5-112731883-T-C. GRCh37 (hg19) VCF-style: chr5-112067580-T-C.
Other names: c.-1053-22990T>C (NM_001407470.1, NM_001407472.1); c.-18-22990T>C (NM_001407447.1, NM_001354895.2, NM_001407456.1 and 7 more transcripts); c.165+24001T>C (NM_001407446.1, NM_001354897.2, NM_001354902.2); c.-43+24234T>C (NM_001407453.1).
Identifiers: ClinVar variation 82309 (VCV000082309.4), dbSNP rs75197531, ClinGen allele CA023568.
Genomic context (GRCh38, chr5:112,731,883, plus strand): 5'-GTGATCTCTGTTCACTGCAGCCTCTGCCTCCCGGGCTCAAGTGATTCTTGTGCCTCAGCA[T>C]CCCGAGTATCTGGGACTACAGGCATGTGCCACCTCGCCTGGCTAAGTTTTGTATTTTTAG-3'

ClinVar aggregate classification (germline): other (0 of 4 stars; one submission).

Conditions:
Familial colorectal cancer. Identifiers: MedGen CN280943, MONDO:0023113. Disease mechanism: loss of function.

Submission:

Systems Biology Platform Zhejiang California International NanoSystems Institute
Classification: other for Familial colorectal cancer. Review status: no assertion criteria provided. Collection method: not provided. Allele origin: unknown.
ClinVar note: Converted during submission from cancer to other.